The following is an entry in ClinVar:

NM_001957.4(EDNRA):c.679G>T (p.Val227Leu)

Gene: EDNRA (endothelin receptor type A; plus strand). Cytogenetic location: 4q31.23.
Variant type: single nucleotide variant.
Coding change: c.679G>T on transcript NM_001957.4 (MANE Select); coding-DNA position 679, G replaced by T.
Protein change: p.Val227Leu; replaces valine 227 with leucine.
Molecular consequence: missense variant. On other transcripts: non-coding transcript variant (1), intron variant (1).
Genome position (GRCh38, 1-based): chr4:147,532,636, G>T. VCF-style: chr4-147532636-G-T. GRCh37 (hg19) VCF-style: chr4-148453788-G-T.
Other names: c.421-3241G>T (NM_001166055.2); short protein forms V227L.
Identifiers: ClinVar variation 4740296 (VCV004740296.1).
Genomic context (GRCh38, chr4:147,532,636, plus strand): 5'-GTCTCCATCTGGATCCTGTCCTTTATCCTGGCCATTCCTGAAGCGATTGGCTTCGTCATG[G>T]TACCCTTTGAATATAGGGGTGAACAGCATAAAACCTGTATGCTCAATGCCACATCAAAAT-3'
Protein context (NP_001948.1, residues 217-237): AIPEAIGFVM[Val227Leu]PFEYRGEQHK

ClinVar aggregate classification (germline): Uncertain significance (1 of 4 stars; one submission).

Submission:

Labcorp Genetics (formerly Invitae), Labcorp
Classification: Uncertain significance. Last evaluated: 2025-07-08. Review status: criteria provided, single submitter. Criteria: Invitae Variant Classification Sherloc (09022015). Collection method: clinical testing. Allele origin: germline.
Comment: This sequence change replaces valine, which is neutral and non-polar, with leucine, which is neutral and non-polar, at codon 227 of the EDNRA protein (p.Val227Leu). This variant is not present in population databases (gnomAD no frequency). This variant has not been reported in the literature in individuals affected with EDNRA-related conditions. Invitae Evidence Modeling of protein sequence and biophysical properties (such as structural, functional, and spatial information, amino acid conservation, physicochemical variation, residue mobility, and thermodynamic stability) indicates that this missense variant is not expected to disrupt EDNRA protein function with a negative predictive value of 80%. In summary, the available evidence is currently insufficient to determine the role of this variant in disease. Therefore, it has been classified as a Variant of Uncertain Significance.